The following is an entry in ClinVar:

ClinVar aggregate classification (germline): Uncertain significance (1 of 4 stars; one submission).

Allele frequency attached by ClinVar (database versions not stated): TOPMed 0.00010; gnomAD 0.00011; gnomAD exomes 0.00012 and 0.00019; ExAC 0.00023; ESP Exome Variant Server 0.00031.
gnomAD v4.1: 198 of 1,613,872 alleles (0.012%); highest among the groups gnomAD compares: Admixed American, 0.017%; no homozygotes.

Submission:

Labcorp Genetics (formerly Invitae), Labcorp
Classification: Uncertain significance. Last evaluated: 2022-08-23. Review status: criteria provided, single submitter. Criteria: Invitae Variant Classification Sherloc (09022015). Collection method: clinical testing. Allele origin: germline.
Comment: This sequence change replaces alanine, which is neutral and non-polar, with valine, which is neutral and non-polar, at codon 164 of the FCHO1 protein (p.Ala164Val). This variant is present in population databases (rs144793428, gnomAD 0.03%). This variant has not been reported in the literature in individuals affected with FCHO1-related conditions. ClinVar contains an entry for this variant (Variation ID: 1424134). Algorithms developed to predict the effect of missense changes on protein structure and function output the following: SIFT: "Tolerated"; PolyPhen-2: "Benign"; Align-GVGD: "Class C0". The valine amino acid residue is found in multiple mammalian species, which suggests that this missense change does not adversely affect protein function. In summary, the available evidence is currently insufficient to determine the role of this variant in disease. Therefore, it has been classified as a Variant of Uncertain Significance.

NM_015122.3(FCHO1):c.491C>T (p.Ala164Val)

Gene: FCHO1 (FCH and mu domain containing endocytic adaptor 1; plus strand). Cytogenetic location: 19p13.11.
Variant type: single nucleotide variant.
Coding change: c.491C>T on transcript NM_015122.3 (MANE Select); coding-DNA position 491, C replaced by T.
Protein change: p.Ala164Val; replaces alanine 164 with valine.
Molecular consequence: missense variant. On other transcripts: non-coding transcript variant (36).
Genome position (GRCh38, 1-based): chr19:17,770,793, C>T. VCF-style: chr19-17770793-C-T. GRCh37 (hg19) VCF-style: chr19-17881602-C-T.
Other names: c.491C>T, p.Ala164Val (NM_001161357.2, NM_001161358.2, NM_001384370.1 and 26 more transcripts); c.341C>T, p.Ala114Val (NM_001161359.2, NM_001384384.1, NM_001384385.1 and 3 more transcripts); c.452C>T, p.Ala151Val (NM_001384388.1, NM_001384389.1, NM_001384405.1); c.416C>T, p.Ala139Val (NM_001384390.1); short protein forms A151V, A114V, A164V, A139V.
Identifiers: ClinVar variation 1424134 (VCV001424134.3), dbSNP rs144793428, ClinGen allele CA9300131.